The following is an entry in ClinVar:

ClinVar aggregate classification (germline): Uncertain significance (1 of 4 stars; one submission).

gnomAD v4.1: 7 of 1,613,850 alleles (0.00043%); highest among the groups gnomAD compares: South Asian, 0.0055%; no homozygotes.

Submission:

CeGaT Center for Human Genetics Tuebingen
Classification: Uncertain significance. Last evaluated: 2024-08-01. Review status: criteria provided, single submitter. Criteria: CeGaT Center For Human Genetics Tuebingen Variant Classification Criteria Version 2. Collection method: clinical testing. Allele origin: germline. Affected: yes. Observed: 1 variant allele.
Comment: DNM2: PM2

NM_001005361.3(DNM2):c.2293C>T (p.Pro765Ser)

Gene: DNM2 (dynamin 2; plus strand). Cytogenetic location: 19p13.2.
Variant type: single nucleotide variant.
Coding change: c.2293C>T on transcript NM_001005361.3 (MANE Select); coding-DNA position 2293, C replaced by T.
Protein change: p.Pro765Ser; replaces proline 765 with serine.
Molecular consequence: missense variant.
Genome position (GRCh38, 1-based): chr19:10,830,128, C>T. VCF-style: chr19-10830128-C-T. GRCh37 (hg19) VCF-style: chr19-10940804-C-T.
Other names: c.2293C>T, p.Pro765Ser (NM_001005360.3, NM_001190716.2); c.2281C>T, p.Pro761Ser (NM_001005362.3, NM_004945.4); short protein forms P761S, P765S.
Identifiers: ClinVar variation 3342117 (VCV003342117.16).